The following is an entry in ClinVar:

ClinVar aggregate classification (germline): Uncertain significance (1 of 4 stars; one submission).

Conditions:
Combined immunodeficiency due to ZAP70 deficiency (IMD48). Also called: ZAP70 Deficiency; Immunodeficiency 48. Identifiers: Orphanet 911, MedGen C2931299, MONDO:0010023, OMIM 269840.

Allele frequency attached by ClinVar (database versions not stated): ExAC 0.00006; gnomAD 0.00001; TOPMed 0.00003.

Submission:

Labcorp Genetics (formerly Invitae), Labcorp
Classification: Uncertain significance for Combined immunodeficiency due to ZAP70 deficiency. Last evaluated: 2023-10-13. Review status: criteria provided, single submitter. Criteria: Invitae Variant Classification Sherloc (09022015). Collection method: clinical testing. Allele origin: germline.
Comment: This sequence change replaces proline, which is neutral and non-polar, with leucine, which is neutral and non-polar, at codon 191 of the ZAP70 protein (p.Pro191Leu). This variant is present in population databases (rs56403250, gnomAD 0.01%). This variant has not been reported in the literature in individuals affected with ZAP70-related conditions. ClinVar contains an entry for this variant (Variation ID: 1489706). An algorithm developed to predict the effect of missense changes on protein structure and function (PolyPhen-2) suggests that this variant is likely to be disruptive. In summary, the available evidence is currently insufficient to determine the role of this variant in disease. Therefore, it has been classified as a Variant of Uncertain Significance.

NM_001079.4(ZAP70):c.572C>T (p.Pro191Leu)

Gene: ZAP70 (zeta chain of T cell receptor associated protein kinase 70; plus strand). Cytogenetic location: 2q11.2.
Variant type: single nucleotide variant.
Coding change: c.572C>T on transcript NM_001079.4 (MANE Select); coding-DNA position 572, C replaced by T.
Protein change: p.Pro191Leu; replaces proline 191 with leucine.
Molecular consequence: missense variant.
Genome position (GRCh38, 1-based): chr2:97,732,891, C>T. VCF-style: chr2-97732891-C-T. GRCh37 (hg19) VCF-style: chr2-98349354-C-T.
Other names: c.572C>T, p.Pro191Leu (NM_001378594.1); short protein forms P191L.
Identifiers: ClinVar variation 1489706 (VCV001489706.7), dbSNP rs56403250, ClinGen allele CA1790142.